The following is an entry in ClinVar:

NM_000540.3(RYR1):c.3182A>G (p.Gln1061Arg)

Gene: RYR1 (ryanodine receptor 1; plus strand). Cytogenetic location: 19q13.2.
Variant type: single nucleotide variant.
Coding change: c.3182A>G on transcript NM_000540.3 (MANE Select); coding-DNA position 3182, A replaced by G.
Protein change: p.Gln1061Arg; replaces glutamine 1061 with arginine.
Molecular consequence: missense variant.
Genome position (GRCh38, 1-based): chr19:38,467,613, A>G. VCF-style: chr19-38467613-A-G. GRCh37 (hg19) VCF-style: chr19-38958253-A-G.
Other names: c.3182A>G, p.Gln1061Arg (NM_001042723.2); short protein forms Q1061R.
Identifiers: ClinVar variation 572987 (VCV000572987.14), dbSNP rs555354948, ClinGen allele CA064513.

ClinVar aggregate classification (germline): Likely benign. Review status: criteria provided, multiple submitters, no conflicts (2 of 4 stars). 3 submissions from 3 submitters: Likely benign (3). Last evaluated 2025-01-20.

Conditions:
RYR1-related disorder. Also called: RYR1-related disorders; RYR1-related condition. Identifiers: MedGen CN239331.
Malignant hyperthermia, susceptibility to, 1 (MHS1). Also called: RYR1-Related Malignant Hyperthermia Susceptibility; Malignant hyperthermia suceptibility 1; Anesthesia related hyperthermia; Malignant hyperpyrexia; Fulminating hyperpyrexia; Pharmacogenic myopathy. Identifiers: Orphanet 423, MedGen C2930980, MONDO:0007783, OMIM 145600.

Allele frequency attached by ClinVar (database versions not stated): TOPMed below 0.00001; gnomAD 0.00001 and 0.00005; gnomAD exomes 0.00008 and 0.00014; ExAC 0.00014; 1000 Genomes Project 30x 0.00016; 1000 Genomes Project 0.00020.
gnomAD v4.1: 117 of 1,614,166 alleles (0.0072%); highest among the groups gnomAD compares: South Asian, 0.12%; 2 homozygotes.

Submissions (3):

Labcorp Genetics (formerly Invitae), Labcorp
Classification: Likely benign for RYR1-related disorder. Last evaluated: 2025-01-20. Review status: criteria provided, single submitter. Criteria: Invitae Variant Classification Sherloc (09022015). Collection method: clinical testing. Allele origin: germline.

All of Us Research Program, National Institutes of Health
Classification: Likely benign for Malignant hyperthermia, susceptibility to, 1. Last evaluated: 2024-05-30. Review status: criteria provided, single submitter. Criteria: ACMG Guidelines, 2015. Collection method: clinical testing. Allele origin: germline. Inheritance: Autosomal dominant inheritance. Observed: 4 variant alleles, 4 heterozygotes.
Comment: This study involves interpretation of variants in research participants for the purpose of population health screening. Participant phenotype was not available at the time of variant classification. Additional details can be found in publication PMID: 35346344, PMCID: PMC8962531

Color Diagnostics, LLC DBA Color Health
Classification: Likely benign for Malignant hyperthermia, susceptibility to, 1. Last evaluated: 2023-01-05. Review status: criteria provided, single submitter. Criteria: ACMG Guidelines, 2015. Collection method: clinical testing. Allele origin: germline.